The following is an entry in ClinVar:

ClinVar aggregate classification (germline): Uncertain significance (1 of 4 stars; one submission).

gnomAD v4.1: 3 of 1,610,476 alleles (0.00019%); highest among the groups gnomAD compares: African/African-American, 0.0027%; no homozygotes.

Submission:

Dasa
Classification: Uncertain significance. Last evaluated: 2024-11-20. Review status: criteria provided, single submitter. Criteria: DASA Assertion Criteria. Collection method: clinical testing. Allele origin: germline.
Comment: NM_170606.3(KMT2C):c.9952A>G (p.Thr3318Ala) is a missense variant that results in the substitution of threonine with alanine. This variant is rare in population databases. Computational prediction algorithms are consistent with a benign effect. The currently available literature and clinical evidence are not sufficient to establish a definitive association between this variant and the reported condition. Therefore, this variant is classified as a variant of uncertain significance.

NM_170606.3(KMT2C):c.9952A>G (p.Thr3318Ala)

Gene: KMT2C (lysine methyltransferase 2C; minus strand). Cytogenetic location: 7q36.1.
Variant type: single nucleotide variant.
Coding change: c.9952A>G on transcript NM_170606.3 (MANE Select); coding-DNA position 9952, A replaced by G.
Protein change: p.Thr3318Ala; replaces threonine 3318 with alanine.
Molecular consequence: missense variant.
Genome position (GRCh38, 1-based): chr7:152,163,625, T>C on the plus strand (A>G on the coding strand, the complement: KMT2C is on the minus strand). VCF-style: chr7-152163625-T-C. GRCh37 (hg19) VCF-style: chr7-151860710-T-C.
Other names: short protein forms T3318A.
Identifiers: ClinVar variation 4885009 (VCV004885009.2).